The following is an entry in ClinVar:

NM_001805.4(CEBPE):c.551T>C (p.Leu184Pro)

Gene: CEBPE (CCAAT enhancer binding protein epsilon; minus strand). Cytogenetic location: 14q11.2.
Variant type: single nucleotide variant.
Coding change: c.551T>C on transcript NM_001805.4 (MANE Select); coding-DNA position 551, T replaced by C.
Protein change: p.Leu184Pro; replaces leucine 184 with proline.
Molecular consequence: missense variant.
Genome position (GRCh38, 1-based): chr14:23,117,782, A>G on the plus strand (T>C on the coding strand, the complement: CEBPE is on the minus strand). VCF-style: chr14-23117782-A-G. GRCh37 (hg19) VCF-style: chr14-23586991-A-G.
Other names: short protein forms L184P.
Identifiers: ClinVar variation 664942 (VCV000664942.10), dbSNP rs749540911, ClinGen allele CA388952224.
Genomic context (GRCh38, chr14:23,117,782, plus strand): 5'-CTATCTTTGTTCACTGCCTTCTTGCCCTTGTGTAAGGGGCCAGCCGGGGAGGGCGCCTTC[A>G]GGAGGGGACTGCAGGGGGGTGCGGCAGTGGCCAAAGGGGCCTGGAGGGGAAGGCACGGAG-3'
Protein context (NP_001796.2, residues 174-194): ATAAPPCSPL[Leu184Pro]KAPSPAGPLH

ClinVar aggregate classification (germline): Uncertain significance (1 of 4 stars; one submission).

Conditions:
Specific granule deficiency. Identifiers: Orphanet 169142, MedGen C0398593, MONDO:0009506.

Submission:

Labcorp Genetics (formerly Invitae), Labcorp
Classification: Uncertain significance for Specific granule deficiency. Last evaluated: 2018-09-06. Review status: criteria provided, single submitter. Criteria: Invitae Variant Classification Sherloc (09022015). Collection method: clinical testing. Allele origin: germline.
Comment: Algorithms developed to predict the effect of missense changes on protein structure and function are either unavailable or do not agree on the potential impact of this missense change (SIFT: "Deleterious"; PolyPhen-2: "Probably Damaging"; Align-GVGD: "Class C0"). In summary, the available evidence is currently insufficient to determine the role of this variant in disease. Therefore, it has been classified as a Variant of Uncertain Significance. This variant is not present in population databases (ExAC no frequency). This variant has not been reported in the literature in individuals with CEBPE-related disease. This sequence change replaces leucine with proline at codon 184 of the CEBPE protein (p.Leu184Pro). The leucine residue is highly conserved and there is a moderate physicochemical difference between leucine and proline.